The following is an entry in ClinVar:

NM_004655.4(AXIN2):c.1905T>C (p.His635=)

Gene: AXIN2 (axin 2; minus strand). Cytogenetic location: 17q24.1.
Variant type: single nucleotide variant.
Coding change: c.1905T>C on transcript NM_004655.4 (MANE Select); coding-DNA position 1905, T replaced by C.
Protein change: p.His635=; no amino-acid change (histidine 635 retained).
Molecular consequence: synonymous variant. On other transcripts: intron variant (1).
Genome position (GRCh38, 1-based): chr17:65,536,871, A>G on the plus strand (T>C on the coding strand, the complement: AXIN2 is on the minus strand). VCF-style: chr17-65536871-A-G. GRCh37 (hg19) VCF-style: chr17-63532989-A-G.
Other names: c.1713-318T>C (NM_001363813.1); c.1905T>C (LRG_296t1).
Identifiers: ClinVar variation 517718 (VCV000517718.16), dbSNP rs771764608, ClinGen allele CA8718496.
Genomic context (GRCh38, chr17:65,536,871, plus strand): 5'-ACCTCCGTACTGAGTGCCCATGACCCTCGCGGCCGCGGCGGCGGCAAGCGGTGTTTACCT[A>G]TGGGGCTTGGGCTTGCTCTGCCGCTCACTCTCCAGCATCCACTGCCAGACATCCTGCGAC-3'
Protein context (NP_004646.3, residues 625-645): ESERQSKPKP[His635=]SAQSTKKAYP

ClinVar aggregate classification (germline): Benign/Likely benign. Review status: criteria provided, multiple submitters, no conflicts (2 of 4 stars). 5 submissions from 5 submitters: Benign (1); Likely benign (4). Last evaluated 2026-01-29.

Conditions:
Hereditary cancer-predisposing syndrome. Also called: Hereditary neoplastic syndrome; Hereditary Cancer Syndrome; Neoplastic Syndromes, Hereditary; Tumor predisposition. Identifiers: Orphanet 140162, MedGen C0027672, MeSH D009386, MONDO:0015356.
AXIN2-related disorder.
Oligodontia-cancer predisposition syndrome. Also called: TOOTH AGENESIS-COLORECTAL CANCER SYNDROME. Identifiers: Orphanet 300576, MedGen C1837750, MONDO:0012075, OMIM 608615. Disease mechanism: loss of function.

Allele frequency attached by ClinVar (database versions not stated): gnomAD 0.00001; gnomAD exomes 0.00001; TOPMed 0.00001; ExAC 0.00002.
gnomAD v4.1: 2 of 1,612,994 alleles (0.00012%); highest among the groups gnomAD compares: African/African-American, 0.0027%; no homozygotes.

Submissions (5):

PreventionGenetics, part of Exact Sciences
Classification: Likely benign for AXIN2-related condition. Last evaluated: 2026-01-29. Review status: criteria provided, single submitter. Criteria: ACMG Guidelines, 2015. Collection method: clinical testing. Allele origin: germline.
Comment: This variant is classified as likely benign based on ACMG/AMP sequence variant interpretation guidelines (Richards et al. 2015 PMID: 25741868, with internal and published modifications).

Labcorp Genetics (formerly Invitae), Labcorp
Classification: Likely benign for Oligodontia-cancer predisposition syndrome. Last evaluated: 2025-08-18. Review status: criteria provided, single submitter. Criteria: Invitae Variant Classification Sherloc (09022015). Collection method: clinical testing. Allele origin: germline.

Myriad Genetics, Inc.
Classification: Benign for Oligodontia-cancer predisposition syndrome. Last evaluated: 2024-07-08. Review status: criteria provided, single submitter. Criteria: Myriad Autosomal Dominant, Autosomal Recessive and X-Linked Classification Criteria (2023). Collection method: clinical testing. Allele origin: unknown.
Comment: This variant is considered benign. This variant is a silent/synonymous amino acid change and it is not expected to impact splicing.

Ambry Genetics
Classification: Likely benign for Hereditary cancer-predisposing syndrome. Last evaluated: 2019-07-10. Review status: criteria provided, single submitter. Criteria: Ambry Variant Classification Scheme 2023. Collection method: clinical testing. Allele origin: germline.

GeneDx
Classification: Likely benign. Last evaluated: 2017-02-02. Review status: criteria provided, single submitter. Criteria: GeneDx Variant Classification (06012015). Collection method: clinical testing. Allele origin: germline. Affected: yes.
Comment: This variant is considered likely benign or benign based on one or more of the following criteria: it is a conservative change, it occurs at a poorly conserved position in the protein, it is predicted to be benign by multiple in silico algorithms, and/or has population frequency not consistent with disease.